The following is an entry in ClinVar:

ClinVar aggregate classification (germline): Likely benign. Review status: criteria provided, multiple submitters, no conflicts (2 of 4 stars). 4 submissions from 4 submitters: Likely benign (4). Last evaluated 2024-11-18.

Conditions:
Catecholaminergic polymorphic ventricular tachycardia (CVPT). Also called: Catecholamine-induced polymorphic ventricular tachycardia. Identifiers: Orphanet 3286, MedGen C5574922, MONDO:0017990.
Cardiovascular phenotype. Identifiers: MedGen CN230736.
Catecholaminergic polymorphic ventricular tachycardia 1. Also called: RYR2-Related Catecholaminergic Polymorphic Ventricular Tachycardia; VENTRICULAR TACHYCARDIA, STRESS-INDUCED POLYMORPHIC 1; VENTRICULAR TACHYCARDIA, CATECHOLAMINERGIC POLYMORPHIC, 1, WITH OR WITHOUT ATRIAL DYSFUNCTION AND/OR DILATED CARDIOMYOPATHY. Identifiers: Orphanet 3286, MedGen C1631597, MONDO:0011484, OMIM 604772.

Allele frequency attached by ClinVar (database versions not stated): gnomAD exomes below 0.00001.
gnomAD v4.1: 1 of 1,547,402 alleles (0.000065%); highest among the groups gnomAD compares: Non-Finnish European, 0.000087%; no homozygotes.

Submissions (4):

Labcorp Genetics (formerly Invitae), Labcorp
Classification: Likely benign for Catecholaminergic polymorphic ventricular tachycardia 1. Last evaluated: 2024-11-18. Review status: criteria provided, single submitter. Criteria: Invitae Variant Classification Sherloc (09022015). Collection method: clinical testing. Allele origin: germline.

All of Us Research Program, National Institutes of Health
Classification: Likely benign for Catecholaminergic polymorphic ventricular tachycardia. Last evaluated: 2023-11-02. Review status: criteria provided, single submitter. Criteria: ACMG Guidelines, 2015. Collection method: clinical testing. Allele origin: germline. Inheritance: Autosomal dominant inheritance. Observed: 2 variant alleles, 2 heterozygotes.
Comment: This study involves interpretation of variants in research participants for the purpose of population health screening. Participant phenotype was not available at the time of variant classification. Additional details can be found in publication PMID: 35346344, PMCID: PMC8962531

Ambry Genetics
Classification: Likely benign for Cardiovascular phenotype. Last evaluated: 2021-02-02. Review status: criteria provided, single submitter. Criteria: Ambry Variant Classification Scheme 2023. Collection method: clinical testing. Allele origin: germline.

GeneDx
Classification: Likely benign. Last evaluated: 2015-10-22. Review status: criteria provided, single submitter. Criteria: GeneDx Variant Classification (06012015). Collection method: clinical testing. Allele origin: germline. Affected: yes.
Comment: This variant is considered likely benign or benign based on one or more of the following criteria: it is a conservative change, it occurs at a poorly conserved position in the protein, it is predicted to be benign by multiple in silico algorithms, and/or has population frequency not consistent with disease.

NM_001035.3(RYR2):c.8331A>G (p.Glu2777=)

Gene: RYR2 (ryanodine receptor 2; plus strand). Cytogenetic location: 1q43.
Variant type: single nucleotide variant.
Coding change: c.8331A>G on transcript NM_001035.3 (MANE Select); coding-DNA position 8331, A replaced by G.
Protein change: p.Glu2777=; no amino-acid change (glutamic acid 2777 retained).
Molecular consequence: synonymous variant.
Genome position (GRCh38, 1-based): chr1:237,660,842, A>G. VCF-style: chr1-237660842-A-G. GRCh37 (hg19) VCF-style: chr1-237824142-A-G.
Other names: c.8331A>G, p.Glu2777= (LRG_402t1).
Identifiers: ClinVar variation 380728 (VCV000380728.6), dbSNP rs1057520894, ClinGen allele CA16603636.